The following is an entry in ClinVar:

NM_004204.5(PIGQ):c.1215T>G (p.Tyr405Ter)

Gene: PIGQ (phosphatidylinositol glycan anchor biosynthesis class Q; plus strand). Cytogenetic location: 16p13.3.
Variant type: single nucleotide variant.
Coding change: c.1215T>G on transcript NM_004204.5 (MANE Select); coding-DNA position 1215, T replaced by G.
Protein change: p.Tyr405Ter; replaces tyrosine 405 with a stop codon.
Molecular consequence: nonsense.
Genome position (GRCh38, 1-based): chr16:578,930, T>G. VCF-style: chr16-578930-T-G. GRCh37 (hg19) VCF-style: chr16-628930-T-G.
Other names: c.1215T>G, p.Tyr405Ter (NM_148920.4); short protein forms Y405*.
Identifiers: ClinVar variation 2629977 (VCV002629977.1), dbSNP rs2035766325, ClinGen allele CA394057398.

ClinVar aggregate classification (germline): Likely pathogenic (1 of 4 stars; one submission).

Conditions:
PIGQ-related disorder. Also called: PIGQ-related condition.

gnomAD v4.1: 2 of 1,609,570 alleles (0.00012%); highest among the groups gnomAD compares: Non-Finnish European, 0.00017%; no homozygotes.

Submission:

PreventionGenetics, part of Exact Sciences
Classification: Likely pathogenic for PIGQ-related condition. Last evaluated: 2023-01-19. Review status: criteria provided, single submitter. Criteria: ACMG Guidelines, 2015. Collection method: clinical testing. Allele origin: germline.
Comment: The PIGQ c.1215T>G variant is predicted to result in premature protein termination (p.Tyr405*). To our knowledge, this variant has not been reported in the literature or in a large population database, indicating this variant is rare. Nonsense variants in PIGQ are expected to be pathogenic, and therefore we interpret c.1215T>G (p.Tyr405*) as likely pathogenic.